The following is an entry in ClinVar:

ClinVar aggregate classification (germline): Uncertain significance. Review status: criteria provided, multiple submitters, no conflicts (2 of 4 stars). 2 submissions from 2 submitters: Uncertain significance (2). Last evaluated 2025-10-18.

Conditions:
Inborn genetic diseases. Identifiers: MedGen C0950123, MeSH D030342.
Severe combined immunodeficiency due to CORO1A deficiency. Also called: Immunodeficiency 8; IMMUNODEFICIENCY 8 WITH LYMPHOPROLIFERATION. Identifiers: Orphanet 228003, MedGen C3809383, MONDO:0014168, OMIM 615401.

gnomAD v4.1: 1 of 1,611,676 alleles (0.000062%); highest among the groups gnomAD compares: Admixed American, 0.0017%; no homozygotes.

Submissions (2):

Labcorp Genetics (formerly Invitae), Labcorp
Classification: Uncertain significance for Severe combined immunodeficiency due to CORO1A deficiency. Last evaluated: 2025-10-18. Review status: criteria provided, single submitter. Criteria: Invitae Variant Classification Sherloc (09022015). Collection method: clinical testing. Allele origin: germline.
Comment: This sequence change replaces proline, which is neutral and non-polar, with arginine, which is basic and polar, at codon 119 of the CORO1A protein (p.Pro119Arg). This variant is not present in population databases (gnomAD no frequency). This variant has not been reported in the literature in individuals affected with CORO1A-related conditions. ClinVar contains an entry for this variant (Variation ID: 3269007). Invitae Evidence Modeling of protein sequence and biophysical properties (such as structural, functional, and spatial information, amino acid conservation, physicochemical variation, residue mobility, and thermodynamic stability) indicates that this missense variant is not expected to disrupt CORO1A protein function with a negative predictive value of 80%. In summary, the available evidence is currently insufficient to determine the role of this variant in disease. Therefore, it has been classified as a Variant of Uncertain Significance.

Ambry Genetics
Classification: Uncertain significance for Inborn genetic diseases. Last evaluated: 2024-05-30. Review status: criteria provided, single submitter. Criteria: Ambry Variant Classification Scheme 2023. Collection method: clinical testing. Allele origin: germline.

NM_007074.4(CORO1A):c.356C>G (p.Pro119Arg)

Gene: CORO1A (coronin 1A; plus strand). Cytogenetic location: 16p11.2.
Variant type: single nucleotide variant.
Coding change: c.356C>G on transcript NM_007074.4 (MANE Select); coding-DNA position 356, C replaced by G.
Protein change: p.Pro119Arg; replaces proline 119 with arginine.
Molecular consequence: missense variant.
Genome position (GRCh38, 1-based): chr16:30,186,850, C>G. VCF-style: chr16-30186850-C-G. GRCh37 (hg19) VCF-style: chr16-30198171-C-G.
Other names: c.356C>G, p.Pro119Arg (NM_001193333.3); short protein forms P119R.
Identifiers: ClinVar variation 3269007 (VCV003269007.2).